The following is an entry in ClinVar:

ClinVar aggregate classification (germline): Uncertain significance (1 of 4 stars; one submission).

Conditions:
Cardiovascular phenotype. Identifiers: MedGen CN230736.

gnomAD v4.1: 2 of 1,612,248 alleles (0.00012%); highest among the groups gnomAD compares: Non-Finnish European, 0.000085%; no homozygotes.

Submission:

Ambry Genetics
Classification: Uncertain significance for Cardiovascular phenotype. Last evaluated: 2021-07-06. Review status: criteria provided, single submitter. Criteria: Ambry Variant Classification Scheme 2023. Collection method: clinical testing. Allele origin: germline.
Comment: The p.Q3517E variant (also known as c.10549C>G), located in coding exon 16 of the ALMS1 gene, results from a C to G substitution at nucleotide position 10549. The glutamine at codon 3517 is replaced by glutamic acid, an amino acid with highly similar properties. This amino acid position is not well conserved in available vertebrate species. In addition, this alteration is predicted to be tolerated by in silico analysis. Since supporting evidence is limited at this time, the clinical significance of this alteration remains unclear.

NM_001378454.1(ALMS1):c.10546C>G (p.Gln3516Glu)

Gene: ALMS1 (ALMS1 centrosome and basal body associated protein; plus strand). Cytogenetic location: 2p13.1.
Variant type: single nucleotide variant.
Coding change: c.10546C>G on transcript NM_001378454.1 (MANE Select); coding-DNA position 10546, C replaced by G.
Protein change: p.Gln3516Glu; replaces glutamine 3516 with glutamic acid.
Molecular consequence: missense variant.
Genome position (GRCh38, 1-based): chr2:73,572,423, C>G. VCF-style: chr2-73572423-C-G. GRCh37 (hg19) VCF-style: chr2-73799550-C-G.
Other names: c.10549C>G, p.Gln3517Glu (NM_015120.4); short protein forms Q3517E, Q3516E.
Identifiers: ClinVar variation 1778023 (VCV001778023.2), dbSNP rs375019820, ClinGen allele CA1715021.